The following is an entry in ClinVar:

ClinVar aggregate classification (germline): Uncertain significance (1 of 4 stars; one submission).

Conditions:
Neurodevelopmental disorder with hypotonia, impaired speech, and behavioral abnormalities (NEDHISB). Also called: GNAI1-Related Neurodevelopmental Disorder. Identifiers: MedGen C5676975, MONDO:0859243, OMIM 619854.

Submission:

Victorian Clinical Genetics Services, Murdoch Childrens Research Institute
Classification: Uncertain significance for Neurodevelopmental disorder with hypotonia, impaired speech, and behavioral abnormalities. Last evaluated: 2026-02-11. Review status: criteria provided, single submitter. Criteria: ACMG Guidelines, 2015. Collection method: clinical testing. Allele origin: germline. Affected: yes.
Comment: This variant is classified as VUS-3A. Evidence in support of pathogenic classification: Variant is absent from gnomAD (v2, v3 and v4); Additional information: Variant is predicted to result in a missense amino acid change from Asn to His; This variant is heterozygous; This gene is associated with autosomal dominant disease; Alternative amino acid change(s) at the same position are present in gnomAD (highest allele count: v4: 1 heterozygote(s), 0 homozygote(s)). - This variant has no previous evidence of pathogenicity; No published evidence of segregation with disease has been identified for this variant; No published functional evidence has been identified for this variant; Another missense variant(s) comparable to the one identified in this case has inconclusive previous evidence for pathogenicity. p.(Asn22Tyr) has been classified as a VUS by a clinical laboratory in ClinVar; Variant is located in the annotated G-protein alpha subunit domain (DECIPHER). - Missense variant with inconclusive in silico prediction and/or uninformative conservation; The mechanism of disease for this gene is not clearly established. However, dominant negative is the suggested mechanism associated with neurodevelopmental disorder with hypotonia, impaired speech, and behavioural abnormalities (MIM#619854) (ClinGen CCID:004973); Variants in this gene are known to have variable expressivity. Interfamilial variability has been observed (PMID: 33473207).

Literature cited by the submitters: PubMed 33473207.

NM_002069.6(GNAI1):c.64A>C (p.Asn22His)

Gene: GNAI1 (G protein subunit alpha i1; plus strand). Cytogenetic location: 7q21.11.
Variant type: single nucleotide variant.
Coding change: c.64A>C on transcript NM_002069.6 (MANE Select); coding-DNA position 64, A replaced by C.
Protein change: p.Asn22His; replaces asparagine 22 with histidine.
Molecular consequence: missense variant.
Genome position (GRCh38, 1-based): chr7:80,135,224, A>C. VCF-style: chr7-80135224-A-C. GRCh37 (hg19) VCF-style: chr7-79764540-A-C.
Other names: short protein forms N22H.
Identifiers: ClinVar variation 4879754 (VCV004879754.1).
Genomic context (GRCh38, chr7:80,135,224, plus strand): 5'-GGCTGCACGCTGAGCGCCGAGGACAAGGCGGCGGTGGAGCGGAGTAAGATGATCGACCGC[A>C]ACCTCCGTGAGGACGGCGAGAAGGCGGCGCGCGAGGTCAAGCTGCTGCTGCTCGGTAAGG-3'
Protein context (NP_002060.4, residues 12-32): AVERSKMIDR[Asn22His]LREDGEKAAR